The following is an entry in ClinVar:

NM_024537.4(CARS2):c.-15G>C

Genes: CARS2 (cysteinyl-tRNA synthetase 2, mitochondrial; minus strand), LOC130010127 (ATAC-STARR-seq lymphoblastoid silent region 5509; plus strand). Cytogenetic location: 13q34.
Variant type: single nucleotide variant.
Coding change: c.-15G>C on transcript NM_024537.4 (MANE Select); 15 bases upstream of the start codon, G replaced by C.
Molecular consequence: 5 prime UTR variant. On other transcripts: non-coding transcript variant (1), intron variant (1).
Genome position (GRCh38, 1-based): chr13:110,706,108, C>G on the plus strand (G>C on the coding strand, the complement: CARS2 is on the minus strand). VCF-style: chr13-110706108-C-G. GRCh37 (hg19) VCF-style: chr13-111358455-C-G.
Other names: c.-15G>C (NM_001352253.3); c.-776+263G>C (NM_001352252.2).
Identifiers: ClinVar variation 391370 (VCV000391370.1), dbSNP rs1057524061, ClinGen allele CA16606399.

ClinVar aggregate classification (germline): Likely benign (1 of 4 stars; one submission).

Allele frequency attached by ClinVar (database versions not stated): TOPMed 0.00002 and 0.00001; gnomAD 0.00001.
gnomAD v4.1: 5 of 1,302,806 alleles (0.00038%); highest among the groups gnomAD compares: Non-Finnish European, 0.00049%; no homozygotes.

Submission:

GeneDx
Classification: Likely benign. Last evaluated: 2016-12-08. Review status: criteria provided, single submitter. Criteria: GeneDx Variant Classification (06012015). Collection method: clinical testing. Allele origin: germline. Affected: yes.
Comment: This variant is considered likely benign or benign based on one or more of the following criteria: it is a conservative change, it occurs at a poorly conserved position in the protein, it is predicted to be benign by multiple in silico algorithms, and/or has population frequency not consistent with disease.